The following is an entry in ClinVar:

ClinVar aggregate classification (germline): Uncertain significance (1 of 4 stars; one submission).

Submission:

GeneDx
Classification: Uncertain significance. Last evaluated: 2024-11-30. Review status: criteria provided, single submitter. Criteria: GeneDx Variant Classification Process June 2021. Collection method: clinical testing. Allele origin: germline. Affected: yes.
Comment: Not observed at significant frequency in large population cohorts (gnomAD); In silico analysis supports that this missense variant has a deleterious effect on protein structure/function; Has not been previously published as pathogenic or benign to our knowledge

NM_001197104.2(KMT2A):c.4048C>G (p.Arg1350Gly)

Gene: KMT2A (lysine methyltransferase 2A; plus strand). Cytogenetic location: 11q23.3.
Variant type: single nucleotide variant.
Coding change: c.4048C>G on transcript NM_001197104.2 (MANE Select); coding-DNA position 4048, C replaced by G.
Protein change: p.Arg1350Gly; replaces arginine 1350 with glycine.
Molecular consequence: missense variant.
Genome position (GRCh38, 1-based): chr11:118,482,457, C>G. VCF-style: chr11-118482457-C-G. GRCh37 (hg19) VCF-style: chr11-118353172-C-G.
Other names: c.4147C>G, p.Arg1383Gly (NM_001412597.1); c.4048C>G, p.Arg1350Gly (NM_005933.4); short protein forms R1350G, R1383G.
Identifiers: ClinVar variation 3901710 (VCV003901710.1).